The following is an entry in ClinVar:

ClinVar aggregate classification (germline): Benign/Likely benign. Review status: criteria provided, multiple submitters, no conflicts (2 of 4 stars). 6 submissions from 6 submitters: Benign (2); Likely benign (4). Last evaluated 2026-07-01.

Conditions:
Inborn genetic diseases. Identifiers: MedGen C0950123, MeSH D030342.
Developmental and epileptic encephalopathy, 30 (DEE30). Also called: Epileptic encephalopathy, early infantile, 30. Identifiers: MedGen C4225360, MONDO:0014595, OMIM 616341.

Allele frequency attached by ClinVar (database versions not stated): gnomAD 0.00188; ESP Exome Variant Server 0.00285; 1000 Genomes Project 0.00319; ExAC 0.00465; gnomAD exomes 0.00466.

Submissions (6):

CeGaT Center for Human Genetics Tuebingen
Classification: Likely benign. Last evaluated: 2026-07-01. Review status: criteria provided, single submitter. Criteria: CeGaT Center For Human Genetics Tuebingen Variant Classification Criteria Version 2. Collection method: clinical testing. Allele origin: germline. Affected: yes. Observed: 18 variant alleles.
Comment: SIK1: BP4, BP7

Labcorp Genetics (formerly Invitae), Labcorp
Classification: Benign for Developmental and epileptic encephalopathy, 30. Last evaluated: 2026-02-02. Review status: criteria provided, single submitter. Criteria: Invitae Variant Classification Sherloc (09022015). Collection method: clinical testing. Allele origin: germline.

Blueprint Genetics
Classification: Likely benign. Last evaluated: 2024-11-22. Review status: criteria provided, single submitter. Criteria: ACMG Guidelines, 2015. Collection method: clinical testing. Allele origin: germline.

Mayo Clinic Laboratories, Mayo Clinic
Classification: Benign. Last evaluated: 2024-03-14. Review status: criteria provided, single submitter. Criteria: ACMG Guidelines, 2015. Collection method: clinical testing. Allele origin: germline. Observed: 2 variant alleles.
Comment: BS1, BS2, BP4, BP7

Ambry Genetics
Classification: Likely benign for Inborn genetic diseases. Last evaluated: 2016-05-03. Review status: criteria provided, single submitter. Criteria: Ambry Variant Classification Scheme 2023. Collection method: clinical testing. Allele origin: germline.

Breakthrough Genomics
Classification: Likely benign. Review status: criteria provided, single submitter. Criteria: ACMG Guidelines, 2015. Collection method: not provided. Allele origin: germline. Inheritance: Autosomal dominant inheritance. Affected: yes.

NM_173354.5(SIK1):c.1470C>T (p.Val490=)

Gene: SIK1 (salt inducible kinase 1; minus strand). Cytogenetic location: 21q22.3.
Variant type: single nucleotide variant.
Coding change: c.1470C>T on transcript NM_173354.5 (MANE Select); coding-DNA position 1470, C replaced by T.
Protein change: p.Val490=; no amino-acid change (valine 490 retained).
Molecular consequence: synonymous variant.
Genome position (GRCh38, 1-based): chr21:43,418,534, G>A on the plus strand (C>T on the coding strand, the complement: SIK1 is on the minus strand). VCF-style: chr21-43418534-G-A. GRCh37 (hg19) VCF-style: chr21-44838414-G-A.
Other names: p.Val490=.
Identifiers: ClinVar variation 476085 (VCV000476085.41), dbSNP rs144693254, ClinGen allele CA321325533.